The following is an entry in ClinVar:

ClinVar aggregate classification (germline): Uncertain significance (1 of 4 stars; one submission).

Conditions:
Complex cortical dysplasia with other brain malformations 2. Identifiers: MedGen C3809013, MONDO:0014116, OMIM 615282.

Submission:

Dasa
Classification: Uncertain significance for Complex cortical dysplasia with other brain malformations 2. Last evaluated: 2026-02-06. Review status: criteria provided, single submitter. Criteria: DASA Assertion Criteria. Collection method: clinical testing. Allele origin: germline.
Comment: NM_004522.3(KIF5C):c.1471C>G (p.Leu491Val) is a missense variant that results in the substitution of leucine with valine. This variant is rare in population databases. The currently available literature and clinical evidence are not sufficient to establish a definitive association between this variant and the reported condition. Therefore, this variant is classified as a variant of uncertain significance.

NM_004522.3(KIF5C):c.1471C>G (p.Leu491Val)

Gene: KIF5C (kinesin family member 5C; plus strand). Cytogenetic location: 2q23.1.
Variant type: single nucleotide variant.
Coding change: c.1471C>G on transcript NM_004522.3 (MANE Select); coding-DNA position 1471, C replaced by G.
Protein change: p.Leu491Val; replaces leucine 491 with valine.
Molecular consequence: missense variant. On other transcripts: non-coding transcript variant (1).
Genome position (GRCh38, 1-based): chr2:148,981,463, C>G. VCF-style: chr2-148981463-C-G. GRCh37 (hg19) VCF-style: chr2-149837977-C-G.
Other names: short protein forms L491V.
Identifiers: ClinVar variation 4881988 (VCV004881988.2).